The following is an entry in ClinVar:

ClinVar aggregate classification (germline): Uncertain significance. Review status: criteria provided, single submitter (1 of 4 stars). 2 submissions from 2 submitters: Uncertain significance (1). 1 of the submissions does not count toward it. Last evaluated 2026-02-03.

Conditions:
Fanconi anemia (FA). Also called: Fanconi's anemia. Identifiers: Orphanet 84, MedGen C0015625, MeSH D005199, MONDO:0019391.

Allele frequency attached by ClinVar (database versions not stated): gnomAD exomes below 0.00001 and 0.00001; gnomAD 0.00001; TOPMed 0.00001; 1000 Genomes Project 0.00020; 1000 Genomes Project 30x 0.00031.
gnomAD v4.1: 4 of 1,549,024 alleles (0.00026%); highest among the groups gnomAD compares: East Asian, 0.0098%; no homozygotes.

Submissions (2):

Labcorp Genetics (formerly Invitae), Labcorp
Classification: Uncertain significance for Fanconi anemia. Last evaluated: 2026-02-03. Review status: criteria provided, single submitter. Criteria: Invitae Variant Classification Sherloc (09022015). Collection method: clinical testing. Allele origin: germline.
Comment: This sequence change replaces aspartic acid, which is acidic and polar, with glutamic acid, which is acidic and polar, at codon 634 of the FANCA protein (p.Asp634Glu). This variant is present in population databases (rs187300458, gnomAD 0.02%). This missense change has been observed in individual(s) with FANCA-related conditions (PMID: 36385762). ClinVar contains an entry for this variant (Variation ID: 968499). Invitae Evidence Modeling of protein sequence and biophysical properties (such as structural, functional, and spatial information, amino acid conservation, physicochemical variation, residue mobility, and thermodynamic stability) indicates that this missense variant is not expected to disrupt FANCA protein function with a negative predictive value of 95%. Studies have shown that this missense change is associated with altered splicing resulting in multiple RNA products (PMID: 36385762). In summary, the available evidence is currently insufficient to determine the role of this variant in disease. Therefore, it has been classified as a Variant of Uncertain Significance.

Natera, Inc.
Classification: Uncertain significance for Fanconi anemia. Last evaluated: 2020-02-21. Review status: no assertion criteria provided. Collection method: clinical testing. Allele origin: germline. Not counted in ClinVar's aggregate classification.

Literature cited by the submitters: PubMed 36385762 (cited by Labcorp Genetics (formerly Invitae), Labcorp).

NM_000135.4(FANCA):c.1902T>G (p.Asp634Glu)

Gene: FANCA (FA complementation group A; minus strand). Cytogenetic location: 16q24.3.
Variant type: single nucleotide variant.
Coding change: c.1902T>G on transcript NM_000135.4 (MANE Select); coding-DNA position 1902, T replaced by G.
Protein change: p.Asp634Glu; replaces aspartic acid 634 with glutamic acid.
Molecular consequence: missense variant.
Genome position (GRCh38, 1-based): chr16:89,773,383, A>C on the plus strand (T>G on the coding strand, the complement: FANCA is on the minus strand). VCF-style: chr16-89773383-A-C. GRCh37 (hg19) VCF-style: chr16-89839791-A-C.
Other names: c.1902T>G, p.Asp634Glu (NM_001286167.3); short protein forms D634E.
Identifiers: ClinVar variation 968499 (VCV000968499.9), dbSNP rs187300458, ClinGen allele CA286568225.
Genomic context (GRCh38, chr16:89,773,383, plus strand): 5'-TGTGAGCTGTCCCAGGGGCTCCTCAGCAGAGTTGGGTTCTGCCCTCACTCCCAGGGCTGC[A>C]TCTGTGAGAAGAAGGAAGAAACCAGATGGAAAGACACTCAACAGGACTCTTCACTGCAAA-3'
Protein context (NP_000126.2, residues 624-644): ACSAAEEKPE[Asp634Glu]AALGVRAEPN